The following is an entry in ClinVar:

NM_144687.4(NLRP12):c.48C>G (p.Tyr16Ter)

Gene: NLRP12 (NLR family pyrin domain containing 12; minus strand). Cytogenetic location: 19q13.42.
Variant type: single nucleotide variant.
Coding change: c.48C>G on transcript NM_144687.4 (MANE Select); coding-DNA position 48, C replaced by G.
Protein change: p.Tyr16Ter; replaces tyrosine 16 with a stop codon.
Molecular consequence: nonsense.
Genome position (GRCh38, 1-based): chr19:53,824,127, G>C on the plus strand (C>G on the coding strand, the complement: NLRP12 is on the minus strand). VCF-style: chr19-53824127-G-C. GRCh37 (hg19) VCF-style: chr19-54327381-G-C.
Other names: c.48C>G, p.Tyr16Ter (NM_001277126.2, NM_001277129.1); short protein forms Y16*.
Identifiers: ClinVar variation 2734202 (VCV002734202.3), dbSNP rs1346363234, ClinGen allele CA407419445.

ClinVar aggregate classification (germline): Uncertain significance (1 of 4 stars; one submission).

Conditions:
Familial cold autoinflammatory syndrome 2 (FCAS2). Identifiers: Orphanet 247868, MedGen C2673198, MONDO:0012724, OMIM 611762.

Submission:

Labcorp Genetics (formerly Invitae), Labcorp
Classification: Uncertain significance for Familial cold autoinflammatory syndrome 2. Last evaluated: 2023-06-30. Review status: criteria provided, single submitter. Criteria: Invitae Variant Classification Sherloc (09022015). Collection method: clinical testing. Allele origin: germline.
Comment: This sequence change creates a premature translational stop signal (p.Tyr16*) in the NLRP12 gene. It is expected to result in an absent or disrupted protein product. However, the current clinical and genetic evidence is not sufficient to establish whether loss-of-function variants in NLRP12 cause disease. In summary, the available evidence is currently insufficient to determine the role of this variant in disease. Therefore, it has been classified as a Variant of Uncertain Significance. This variant has not been reported in the literature in individuals affected with NLRP12-related conditions. This variant is not present in population databases (gnomAD no frequency).